The following is an entry in ClinVar:

NM_023110.3(FGFR1):c.2278T>C (p.Leu760=)

Gene: FGFR1 (fibroblast growth factor receptor 1; minus strand). Cytogenetic location: 8p11.23.
Variant type: single nucleotide variant.
Coding change: c.2278T>C on transcript NM_023110.3 (MANE Select); coding-DNA position 2278, T replaced by C.
Protein change: p.Leu760=; no amino-acid change (leucine 760 retained).
Molecular consequence: synonymous variant.
Genome position (GRCh38, 1-based): chr8:38,413,932, A>G on the plus strand (T>C on the coding strand, the complement: FGFR1 is on the minus strand). VCF-style: chr8-38413932-A-G. GRCh37 (hg19) VCF-style: chr8-38271450-A-G.
Other names: c.2272T>C, p.Leu758= (NM_001174063.2, NM_001174065.2, NM_001354367.2 and 1 more transcripts); c.2248T>C, p.Leu750= (NM_001174064.2); c.2011T>C, p.Leu671= (NM_001174066.2, NM_023105.3); c.2371T>C, p.Leu791= (NM_001174067.2); c.1999T>C, p.Leu667= (NM_001354368.2); c.2266T>C, p.Leu756= (NM_001354369.2); c.2005T>C, p.Leu669= (NM_001354370.2, NM_023106.3).
Identifiers: ClinVar variation 391205 (VCV000391205.21), dbSNP rs201490643, ClinGen allele CA4718131.

ClinVar aggregate classification (germline): Conflicting classifications of pathogenicity. Review status: criteria provided, conflicting classifications (1 of 4 stars). 9 submissions from 6 submitters: Uncertain significance (1); Benign (5); Likely benign (3). Last evaluated 2026-01-21.

Conditions:
Hypogonadotropic hypogonadism 2 with or without anosmia (HH2). Also called: HYPOGONADOTROPIC HYPOGONADISM 2 WITHOUT ANOSMIA; FGFR1-Related GnRH Deficiency (Kallmann Syndrome 2); HYPOGONADOTROPIC HYPOGONADISM 2 WITH OR WITHOUT ANOSMIA, SUSCEPTIBILITY TO; HYPOGONADOTROPIC HYPOGONADISM 2 WITHOUT ANOSMIA, SUSCEPTIBILITY TO. Identifiers: Orphanet 478, MedGen C1563720, MONDO:0007844, OMIM 147950. Disease mechanism: loss of function.
Pfeiffer syndrome (ACS5). Also called: ACS V. Identifiers: Orphanet 710, MedGen C0220658, MONDO:0007043, OMIM 101600.
Osteoglophonic dysplasia (OGD). Also called: Osteoglophonic dwarfism. Identifiers: Orphanet 2645, MedGen C0432283, MONDO:0008150, OMIM 166250.
Trigonocephaly 1 (TRIGNO1). Identifiers: Orphanet 3366, MedGen C0432122, MONDO:0008603, OMIM 190440.
Craniosynostosis syndrome. Also called: Craniosynostosis. Identifiers: Orphanet 1531, MedGen C0010278, MeSH D003398, MONDO:0015469, HP:0001363.

Allele frequency attached by ClinVar (database versions not stated): gnomAD exomes 0.00032 and 0.00064; TOPMed 0.00039; ExAC 0.00040; gnomAD 0.00040 and 0.00041; ESP Exome Variant Server 0.00062.
gnomAD v4.1: 568 of 1,613,876 alleles (0.035%); highest among the groups gnomAD compares: Admixed American, 0.01%; 4 homozygotes.

Submissions (9):

Labcorp Genetics (formerly Invitae), Labcorp
Classification: Benign for Pfeiffer syndrome; Hypogonadotropic hypogonadism 2 with or without anosmia. Last evaluated: 2026-01-21. Review status: criteria provided, single submitter. Criteria: Invitae Variant Classification Sherloc (09022015). Collection method: clinical testing. Allele origin: germline.

Athena Diagnostics
Classification: Benign. Last evaluated: 2025-06-20. Review status: criteria provided, single submitter. Criteria: Athena Diagnostics Criteria. Collection method: clinical testing. Allele origin: unknown.
Comment: The frequency of this variant in the general population is higher than would generally be expected for pathogenic variants in this gene. Computational tools yielded predictions that this variant is unlikely to have an effect on normal RNA splicing. This nucleotide position exhibits low evolutionary conservation.

Blueprint Genetics
Classification: Likely benign. Last evaluated: 2024-10-25. Review status: criteria provided, single submitter. Criteria: ACMG Guidelines, 2015. Collection method: clinical testing. Allele origin: germline.

GeneDx
Classification: Likely benign. Last evaluated: 2020-06-25. Review status: criteria provided, single submitter. Criteria: GeneDx Variant Classification Process June 2021. Collection method: clinical testing. Allele origin: germline. Affected: yes.

Illumina Laboratory Services, Illumina
Classification: Benign for Trigonocephaly 1. Last evaluated: 2017-04-27. Review status: criteria provided, single submitter. Criteria: ICSL Variant Classification Criteria 13 December 2019. Collection method: clinical testing. Allele origin: germline.
Comment: This variant was observed as part of a predisposition screen in an ostensibly healthy population. A literature search was performed for the gene, cDNA change, and amino acid change (where applicable). No publications were found based on this search. Allele frequency data from public databases was too high to be consistent with this variant causing disease. Therefore, this variant is classified as benign.

Illumina Laboratory Services, Illumina
Classification: Benign for Osteoglophonic dysplasia. Last evaluated: 2017-04-27. Review status: criteria provided, single submitter. Criteria: ICSL Variant Classification Criteria 13 December 2019. Collection method: clinical testing. Allele origin: germline.
Comment: the same text as in the submission from Illumina Laboratory Services, Illumina above.

Illumina Laboratory Services, Illumina
Classification: Benign for Craniosynostosis. Last evaluated: 2017-04-27. Review status: criteria provided, single submitter. Criteria: ICSL Variant Classification Criteria 13 December 2019. Collection method: clinical testing. Allele origin: germline.
Comment: the same text as in the submission from Illumina Laboratory Services, Illumina above.

Illumina Laboratory Services, Illumina
Classification: Likely benign for Hypogonadotropic hypogonadism 2 with or without anosmia. Last evaluated: 2017-04-27. Review status: criteria provided, single submitter. Criteria: ICSL Variant Classification Criteria 13 December 2019. Collection method: clinical testing. Allele origin: germline.
Comment: This variant was observed as part of a predisposition screen in an ostensibly healthy population. A literature search was performed for the gene, cDNA change, and amino acid change (where applicable). No publications were found based on this search. Allele frequency data from public databases allowed determination this variant is unlikely to cause disease. Therefore, this variant is classified as likely benign.

Eurofins Ntd Llc (ga)
Classification: Uncertain significance. Last evaluated: 2016-10-18. Review status: criteria provided, single submitter. Criteria: EGL Classification Definitions 2015. Collection method: clinical testing. Allele origin: germline. Observed: 1 variant allele, 1 heterozygote.